The following is an entry in ClinVar:

ClinVar aggregate classification (germline): Conflicting classifications of pathogenicity. Review status: criteria provided, conflicting classifications (1 of 4 stars). 3 submissions from 3 submitters: Uncertain significance (1); Likely benign (2). Last evaluated 2025-03-03.

Conditions:
GLUT1 deficiency syndrome 1, autosomal recessive. Identifiers: MedGen C3149117.

Allele frequency attached by ClinVar (database versions not stated): gnomAD 0.00001; gnomAD exomes 0.00001 and 0.00002; TOPMed 0.00001.
gnomAD v4.1: 18 of 1,614,062 alleles (0.0011%); highest among the groups gnomAD compares: Non-Finnish European, 0.0015%; no homozygotes.

Submissions (3):

Labcorp Genetics (formerly Invitae), Labcorp
Classification: Likely benign for GLUT1 deficiency syndrome 1, autosomal recessive. Last evaluated: 2025-03-03. Review status: criteria provided, single submitter. Criteria: Invitae Variant Classification Sherloc (09022015). Collection method: clinical testing. Allele origin: germline.

CeGaT Center for Human Genetics Tuebingen
Classification: Likely benign. Last evaluated: 2023-05-01. Review status: criteria provided, single submitter. Criteria: CeGaT Center For Human Genetics Tuebingen Variant Classification Criteria Version 2. Collection method: clinical testing. Allele origin: germline. Affected: yes. Observed: 3 variant alleles.
Comment: SLC2A1: BP4, BP7

Eurofins Ntd Llc (ga)
Classification: Uncertain significance. Last evaluated: 2014-12-18. Review status: criteria provided, single submitter. Criteria: EGL Classification Definitions 2015. Collection method: clinical testing. Allele origin: germline. Observed: 1 variant allele, 1 heterozygote.

NM_006516.4(SLC2A1):c.1446G>C (p.Leu482=)

Gene: SLC2A1 (solute carrier family 2 member 1; minus strand). Cytogenetic location: 1p34.2.
Variant type: single nucleotide variant.
Coding change: c.1446G>C on transcript NM_006516.4 (MANE Select); coding-DNA position 1446, G replaced by C.
Protein change: p.Leu482=; no amino-acid change (leucine 482 retained).
Molecular consequence: synonymous variant.
Genome position (GRCh38, 1-based): chr1:42,927,074, C>G on the plus strand (G>C on the coding strand, the complement: SLC2A1 is on the minus strand). VCF-style: chr1-42927074-C-G. GRCh37 (hg19) VCF-style: chr1-43392745-C-G.
Identifiers: ClinVar variation 193690 (VCV000193690.54), dbSNP rs794726996, ClinGen allele CA019082.
Genomic context (GRCh38, chr1:42,927,074, plus strand): 5'-CAGGCCGGGCTGGTGATCTGGGGCGACTCACACTTGGGAATCAGCCCCCAGGGGATGGAA[C>G]AGCTCCTCGGGTGTCTTGTCACTTTGGCTGGCTCCCCCCTGCCGGAAGCCGGAAGCGATC-3'
Protein context (NP_006507.2, residues 472-492): ASQSDKTPEE[Leu482=]FHPLGADSQV